The following is an entry in ClinVar:

ClinVar aggregate classification (germline): Uncertain significance (1 of 4 stars; one submission).

Conditions:
Developmental and epileptic encephalopathy, 31A. Also called: Epileptic encephalopathy, early infantile, 31; Developmental and epileptic encephalopathy, 31. Identifiers: Orphanet 2382, MedGen C4225357, MONDO:0014598, OMIM 616346.

Allele frequency attached by ClinVar (database versions not stated): TOPMed 0.00001.
gnomAD v4.1: 1 of 1,596,320 alleles (0.000063%); highest among the groups gnomAD compares: Non-Finnish European, 0.000085%; no homozygotes.

Submission:

Labcorp Genetics (formerly Invitae), Labcorp
Classification: Uncertain significance for Developmental and epileptic encephalopathy, 31A. Last evaluated: 2022-05-20. Review status: criteria provided, single submitter. Criteria: Invitae Variant Classification Sherloc (09022015). Collection method: clinical testing. Allele origin: germline.
Comment: In summary, the available evidence is currently insufficient to determine the role of this variant in disease. Therefore, it has been classified as a Variant of Uncertain Significance. Advanced modeling of protein sequence and biophysical properties (such as structural, functional, and spatial information, amino acid conservation, physicochemical variation, residue mobility, and thermodynamic stability) performed at Invitae indicates that this missense variant is not expected to disrupt DNM1 protein function. This missense change has been observed in individual(s) with clinical features of epileptic encephalopathy with cerebellar atrophy (Invitae). This variant is present in population databases (no rsID available, gnomAD 0.0009%). This sequence change replaces proline, which is neutral and non-polar, with alanine, which is neutral and non-polar, at codon 861 of the DNM1 protein (p.Pro861Ala).

NM_004408.4(DNM1):c.2581C>G (p.Pro861Ala)

Gene: DNM1 (dynamin 1; plus strand). Cytogenetic location: 9q34.11.
Variant type: single nucleotide variant.
Coding change: c.2581C>G on transcript NM_004408.4 (MANE Select); coding-DNA position 2581, C replaced by G.
Protein change: p.Pro861Ala; replaces proline 861 with alanine.
Molecular consequence: missense variant. On other transcripts: 3 prime UTR variant (4).
Genome position (GRCh38, 1-based): chr9:128,254,700, C>G. VCF-style: chr9-128254700-C-G. GRCh37 (hg19) VCF-style: chr9-131016979-C-G.
Other names: c.*62C>G (NM_001005336.3, NM_001288737.2); c.*707C>G (NM_001288738.2); c.2581C>G, p.Pro861Ala (NM_001288739.2); c.*622C>G (NM_001374269.1); short protein forms P861A.
Identifiers: ClinVar variation 2185895 (VCV002185895.4), dbSNP rs1278433146, ClinGen allele CA375003122.